The following is an entry in ClinVar:

ClinVar aggregate classification (germline): Uncertain significance (1 of 4 stars; one submission).

Submission:

Labcorp Genetics (formerly Invitae), Labcorp
Classification: Uncertain significance. Last evaluated: 2022-12-14. Review status: criteria provided, single submitter. Criteria: Invitae Variant Classification Sherloc (09022015). Collection method: clinical testing. Allele origin: germline.
Comment: In summary, the available evidence is currently insufficient to determine the role of this variant in disease. Therefore, it has been classified as a Variant of Uncertain Significance. This sequence change replaces arginine, which is basic and polar, with serine, which is neutral and polar, at codon 681 of the LAMB1 protein (p.Arg681Ser). This variant is not present in population databases (gnomAD no frequency). This variant has not been reported in the literature in individuals affected with LAMB1-related conditions. Algorithms developed to predict the effect of missense changes on protein structure and function are either unavailable or do not agree on the potential impact of this missense change (SIFT: "Deleterious"; PolyPhen-2: "Benign"; Align-GVGD: "Class C65"). Algorithms developed to predict the effect of sequence changes on RNA splicing suggest that this variant may create or strengthen a splice site.

NM_002291.3(LAMB1):c.2043G>T (p.Arg681Ser)

Gene: LAMB1 (laminin subunit beta 1; minus strand). Cytogenetic location: 7q31.1.
Variant type: single nucleotide variant.
Coding change: c.2043G>T on transcript NM_002291.3 (MANE Select); coding-DNA position 2043, G replaced by T.
Protein change: p.Arg681Ser; replaces arginine 681 with serine.
Molecular consequence: missense variant.
Genome position (GRCh38, 1-based): chr7:107,961,272, C>A on the plus strand (G>T on the coding strand, the complement: LAMB1 is on the minus strand). VCF-style: chr7-107961272-C-A. GRCh37 (hg19) VCF-style: chr7-107601717-C-A.
Other names: short protein forms R681S.
Identifiers: ClinVar variation 2820731 (VCV002820731.3), dbSNP rs555446952, ClinGen allele CA368869692.